The following is an entry in ClinVar:

NC_000002.12:g.121530971A>G

Genes: CLASP1 (cytoplasmic linker associated protein 1; minus strand), CLASP1-AS1 (CLASP1 antisense RNA 1; plus strand), RNU4ATAC (RNA, U4atac small nuclear; plus strand). Cytogenetic location: 2q14.2.
Variant type: single nucleotide variant.
Molecular consequence: intron variant (on NM_001395891.1).
Genome position: GRCh38 VCF-style: chr2-121530971-A-G. GRCh37 (hg19) VCF-style: chr2-122288547-A-G.
Other names: c.196-646T>C (NM_001142274.2, NM_015282.3, NM_001378003.1 and 5 more transcripts).
Identifiers: ClinVar variation 1394628 (VCV001394628.5), dbSNP rs905829640, ClinGen allele CA54810962.

ClinVar aggregate classification (germline): Uncertain significance (1 of 4 stars; one submission).

Allele frequency attached by ClinVar (database versions not stated): gnomAD 0.00001; gnomAD exomes 0.00002 and 0.00003; TOPMed 0.00006.
gnomAD v4.1: 15 of 700,272 alleles (0.0021%); highest among the groups gnomAD compares: Admixed American, 0.004%; no homozygotes.

Submission:

Labcorp Genetics (formerly Invitae), Labcorp
Classification: Uncertain significance. Last evaluated: 2022-07-20. Review status: criteria provided, single submitter. Criteria: Invitae Variant Classification Sherloc (09022015). Collection method: clinical testing. Allele origin: germline.
Comment: This variant occurs in the RNU4ATAC gene, which encodes an RNA molecule that does not result in a protein product. This variant is present in population databases (no rsID available, gnomAD 0.008%). In summary, the available evidence is currently insufficient to determine the role of this variant in disease. Therefore, it has been classified as a Variant of Uncertain Significance. Experimental studies and prediction algorithms are not available or were not evaluated, and the functional significance of this variant is currently unknown. ClinVar contains an entry for this variant (Variation ID: 1394628). This variant has not been reported in the literature in individuals affected with RNU4ATAC-related conditions.